The following is an entry in ClinVar:

NM_000268.4(NF2):c.364-291C>G

Gene: NF2 (NF2, moesin-ezrin-radixin like (MERLIN) tumor suppressor; plus strand). Cytogenetic location: 22q12.2.
Variant type: single nucleotide variant.
Coding change: c.364-291C>G on transcript NM_000268.4 (MANE Select); 291 bases into the intron before coding-DNA position 364, C replaced by G.
Molecular consequence: intron variant.
Genome position (GRCh38, 1-based): chr22:29,641,911, C>G. VCF-style: chr22-29641911-C-G. GRCh37 (hg19) VCF-style: chr22-30037900-C-G.
Other names: c.364-291C>G (NM_016418.5, NM_181832.3, NM_181833.3 and 1 more transcripts); c.241-291C>G (NM_181829.3); c.238-291C>G (NM_181828.3); c.115-291C>G (NM_181830.3, NM_181831.3).
Identifiers: ClinVar variation 668837 (VCV000668837.1), dbSNP rs2531849, ClinGen allele CA14950071.

ClinVar aggregate classification (germline): Benign (1 of 4 stars; one submission).

Allele frequency attached by ClinVar (database versions not stated): gnomAD 0.14151; TOPMed 0.15354; 1000 Genomes Project 30x 0.20331; 1000 Genomes Project 0.21446.
gnomAD v4.1: 22,586 of 152,178 alleles (15%); highest among the groups gnomAD compares: East Asian, 57%; 2,384 homozygotes.

Submission:

GeneDx
Classification: Benign. Last evaluated: 2018-06-14. Review status: criteria provided, single submitter. Criteria: GeneDx Variant Classification (06012015). Collection method: clinical testing. Allele origin: germline. Affected: yes.
Comment: This variant is considered likely benign or benign based on one or more of the following criteria: it is a conservative change, it occurs at a poorly conserved position in the protein, it is predicted to be benign by multiple in silico algorithms, and/or has population frequency not consistent with disease.